The following is an entry in ClinVar:

ClinVar aggregate classification (germline): Uncertain significance (1 of 4 stars; one submission).

Conditions:
CHARGE syndrome (CHARGE). Also called: Hittner Hirsch Kreh syndrome; CHARGE ASSOCIATION--COLOBOMA, HEART ANOMALY, CHOANAL ATRESIA, RETARDATION, GENITAL AND EAR ANOMALIES; Coloboma, heart anomaly, choanal atresia, retardation, genital and ear anomalies; CHARGE association; Hall-Hittner syndrome. Identifiers: Orphanet 138, MedGen C0265354, MONDO:0008965.

Allele frequency attached by ClinVar (database versions not stated): gnomAD exomes below 0.00001.
gnomAD v4.1: 3 of 1,613,944 alleles (0.00019%); highest among the groups gnomAD compares: Non-Finnish European, 0.00025%; no homozygotes.

Submission:

Labcorp Genetics (formerly Invitae), Labcorp
Classification: Uncertain significance for CHARGE syndrome. Last evaluated: 2023-01-16. Review status: criteria provided, single submitter. Criteria: Invitae Variant Classification Sherloc (09022015). Collection method: clinical testing. Allele origin: germline.
Comment: In summary, the available evidence is currently insufficient to determine the role of this variant in disease. Therefore, it has been classified as a Variant of Uncertain Significance. Advanced modeling of protein sequence and biophysical properties (such as structural, functional, and spatial information, amino acid conservation, physicochemical variation, residue mobility, and thermodynamic stability) performed at Invitae indicates that this missense variant is not expected to disrupt CHD7 protein function. This variant has not been reported in the literature in individuals affected with CHD7-related conditions. This variant is not present in population databases (gnomAD no frequency). This sequence change replaces proline, which is neutral and non-polar, with arginine, which is basic and polar, at codon 1944 of the CHD7 protein (p.Pro1944Arg).

NM_017780.4(CHD7):c.5831C>G (p.Pro1944Arg)

Gene: CHD7 (chromodomain helicase DNA binding protein 7; plus strand). Cytogenetic location: 8q12.2.
Variant type: single nucleotide variant.
Coding change: c.5831C>G on transcript NM_017780.4 (MANE Select); coding-DNA position 5831, C replaced by G.
Protein change: p.Pro1944Arg; replaces proline 1944 with arginine.
Molecular consequence: missense variant. On other transcripts: intron variant (1).
Genome position (GRCh38, 1-based): chr8:60,852,184, C>G. VCF-style: chr8-60852184-C-G. GRCh37 (hg19) VCF-style: chr8-61764743-C-G.
Other names: c.1717-10045C>G (NM_001316690.1); short protein forms P1944R.
Identifiers: ClinVar variation 2806407 (VCV002806407.3), dbSNP rs2488031195, ClinGen allele CA371323099.